The following is an entry in ClinVar:

NM_000179.3(MSH6):c.2551dup (p.Ser851fs)

Gene: MSH6 (mutS homolog 6; plus strand). Cytogenetic location: 2p16.3.
Variant type: Duplication.
Coding change: c.2551dup on transcript NM_000179.3 (MANE Select); coding-DNA position 2551, one base duplicated (A; older notation c.2551dupA).
Protein change: p.Ser851fs; shifts the reading frame from serine 851.
Molecular consequence: frameshift variant. On other transcripts: non-coding transcript variant (5), intron variant (3).
Genome position (GRCh38, 1-based): chr2:47,800,534, A duplicated. VCF-style (leftmost placement, unchanged base first): chr2-47800533-C-CA. GRCh37 (hg19) VCF-style: chr2-48027672-C-CA.
Other names: c.2161dup, p.Ser721fs (NM_001281492.2); c.1645dup, p.Ser549fs (NM_001281493.2, NM_001281494.2, NM_001406811.1 and 6 more transcripts); c.2647dup, p.Ser883fs (NM_001406795.1, NM_001406802.1); c.2551dup, p.Ser851fs (NM_001406796.1, NM_001406798.1, NM_001406800.1 and 2 more transcripts); c.2254dup, p.Ser752fs (NM_001406797.1, NM_001406801.1, NM_001406805.1 and 10 more transcripts); c.2026dup, p.Ser676fs (NM_001406799.1, NM_001406806.1, NM_001406807.1); c.2473dup, p.Ser825fs (NM_001406804.1); c.2557dup, p.Ser853fs (NM_001406813.1); and 4 more; short protein forms S549fs, S676fs, S721fs, S752fs, S795fs, S825fs, S851fs, S853fs.
Identifiers: ClinVar variation 4071401 (VCV004071401.1).

ClinVar aggregate classification (germline): Pathogenic (1 of 4 stars; one submission).

Conditions:
Lynch syndrome 5 (LYNCH5). Also called: Colorectal cancer, hereditary nonpolyposis, type 5; Hereditary non-polyposis colorectal cancer, type 5. Identifiers: Orphanet 144, MedGen C1833477, MONDO:0013710, OMIM 614350. Disease mechanism: loss of function.

Submission:

Myriad Genetics, Inc.
Classification: Pathogenic for Lynch syndrome 5. Last evaluated: 2025-05-28. Review status: criteria provided, single submitter. Criteria: Myriad Autosomal Dominant, Autosomal Recessive and X-Linked Classification Criteria (2023). Collection method: clinical testing. Allele origin: unknown.
Comment: This variant is considered pathogenic. This variant creates a frameshift predicted to result in premature protein truncation.